The following is an entry in ClinVar:

NM_001005361.3(DNM2):c.48G>A (p.Leu16=)

Genes: DNM2 (dynamin 2; plus strand), LOC130063529 (ATAC-STARR-seq lymphoblastoid silent region 10090; plus strand). Cytogenetic location: 19p13.2.
Variant type: single nucleotide variant.
Coding change: c.48G>A on transcript NM_001005361.3 (MANE Select); coding-DNA position 48, G replaced by A.
Protein change: p.Leu16=; no amino-acid change (leucine 16 retained).
Molecular consequence: synonymous variant.
Genome position (GRCh38, 1-based): chr19:10,718,290, G>A. VCF-style: chr19-10718290-G-A. GRCh37 (hg19) VCF-style: chr19-10828966-G-A.
Other names: c.48G>A, p.Leu16= (NM_001005360.3, NM_001005362.3, NM_001190716.2 and 1 more transcripts); c.48G>A (NM_001005360.2).
Identifiers: ClinVar variation 1559018 (VCV001559018.9), dbSNP rs746688611, ClinGen allele CA9200672.
Genomic context (GRCh38, chr19:10,718,290, plus strand): 5'-GGCCGCCGGCGCCATGGGCAACCGCGGGATGGAAGAGCTGATCCCGCTGGTCAACAAACT[G>A]CAGGACGCCTTCAGCTCCATCGGCCAGAGCTGCCACCTGGACCTGCCGCAGATCGCTGTA-3'
Protein context (NP_001005361.1, residues 6-26): MEELIPLVNK[Leu16=]QDAFSSIGQS

ClinVar aggregate classification (germline): Likely benign. Review status: criteria provided, multiple submitters, no conflicts (2 of 4 stars). 2 submissions from 2 submitters: Likely benign (2). Last evaluated 2025-03-12.

Conditions:
DNM2-related disorder. Also called: DNM2-related condition.
Charcot-Marie-Tooth disease dominant intermediate B (CMTDIB). Also called: Charcot-Marie-Tooth disease dominant intermediate 1; CMT DI1; Charcot-Marie-Tooth disease dominant intermediate I; CHARCOT-MARIE-TOOTH NEUROPATHY, DOMINANT INTERMEDIATE B. Identifiers: Orphanet 100044, Orphanet 228179, MedGen C1847902, MONDO:0011674, OMIM 606482.

Allele frequency attached by ClinVar (database versions not stated): ExAC 0.00006.

Submissions (2):

PreventionGenetics, part of Exact Sciences
Classification: Likely benign for DNM2-related condition. Last evaluated: 2025-03-12. Review status: criteria provided, single submitter. Criteria: ACMG Guidelines, 2015. Collection method: clinical testing. Allele origin: germline.
Comment: This variant is classified as likely benign based on ACMG/AMP sequence variant interpretation guidelines (Richards et al. 2015 PMID: 25741868, with internal and published modifications).

Labcorp Genetics (formerly Invitae), Labcorp
Classification: Likely benign for Charcot-Marie-Tooth disease dominant intermediate B. Last evaluated: 2021-05-17. Review status: criteria provided, single submitter. Criteria: Invitae Variant Classification Sherloc (09022015). Collection method: clinical testing. Allele origin: germline.